The following is an entry in ClinVar:

NM_032776.3(JMJD1C):c.173A>G (p.Tyr58Cys)

Gene: JMJD1C (jumonji domain containing 1C; minus strand). Cytogenetic location: 10q21.3.
Variant type: single nucleotide variant.
Coding change: c.173A>G on transcript NM_032776.3 (MANE Select); coding-DNA position 173, A replaced by G.
Protein change: p.Tyr58Cys; replaces tyrosine 58 with cysteine.
Molecular consequence: missense variant. On other transcripts: 5 prime UTR variant (2).
Genome position (GRCh38, 1-based): chr10:63,380,478, T>C on the plus strand (A>G on the coding strand, the complement: JMJD1C is on the minus strand). VCF-style: chr10-63380478-T-C. GRCh37 (hg19) VCF-style: chr10-65140238-T-C.
Other names: c.-374A>G (NM_001318154.2); c.173A>G, p.Tyr58Cys (NM_001322252.2); c.-379A>G (NM_001322258.2); short protein forms Y58C.
Identifiers: ClinVar variation 1325541 (VCV001325541.4), dbSNP rs1451725739, ClinGen allele CA377086971.

ClinVar aggregate classification (germline): Uncertain significance. Review status: criteria provided, multiple submitters, no conflicts (2 of 4 stars). 2 submissions from 2 submitters: Uncertain significance (2). Last evaluated 2023-12-23.

Conditions:
Early Myoclonic Encephalopathy. Identifiers: MedGen C0270855.

Allele frequency attached by ClinVar (database versions not stated): gnomAD exomes below 0.00001.
gnomAD v4.1: 4 of 1,609,218 alleles (0.00025%); highest among the groups gnomAD compares: South Asian, 0.0033%; no homozygotes.

Submissions (2):

Labcorp Genetics (formerly Invitae), Labcorp
Classification: Uncertain significance for Early Myoclonic Encephalopathy. Last evaluated: 2023-12-23. Review status: criteria provided, single submitter. Criteria: Invitae Variant Classification Sherloc (09022015). Collection method: clinical testing. Allele origin: germline.
Comment: This sequence change replaces tyrosine, which is neutral and polar, with cysteine, which is neutral and slightly polar, at codon 58 of the JMJD1C protein (p.Tyr58Cys). The frequency data for this variant in the population databases is considered unreliable, as metrics indicate poor data quality at this position in the gnomAD database. This variant has not been reported in the literature in individuals affected with JMJD1C-related conditions. ClinVar contains an entry for this variant (Variation ID: 1325541). An algorithm developed to predict the effect of missense changes on protein structure and function (PolyPhen-2) suggests that this variant is likely to be disruptive. In summary, the available evidence is currently insufficient to determine the role of this variant in disease. Therefore, it has been classified as a Variant of Uncertain Significance.

New York Genome Center
Classification: Uncertain significance. Last evaluated: 2020-05-07. Review status: criteria provided, single submitter. Criteria: NYGC Assertion Criteria 2020. Collection method: clinical testing. Allele origin: germline. Observed: 1 compound heterozygote. Study: CSER-NYCKidSeq.